The following is an entry in ClinVar:

NM_002890.3(RASA1):c.2483G>C (p.Cys828Ser)

Genes: CCNH (cyclin H; minus strand), RASA1 (RAS p21 protein activator 1; plus strand). Cytogenetic location: 5q14.3.
Variant type: single nucleotide variant.
Coding change: c.2483G>C on transcript NM_002890.3 (MANE Select); coding-DNA position 2483, G replaced by C.
Protein change: p.Cys828Ser; replaces cysteine 828 with serine.
Molecular consequence: missense variant. On other transcripts: intron variant (1).
Genome position (GRCh38, 1-based): chr5:87,378,534, G>C. VCF-style: chr5-87378534-G-C. GRCh37 (hg19) VCF-style: chr5-86674351-G-C.
Other names: c.1952G>C, p.Cys651Ser (NM_022650.3); c.933+16510C>G (NM_001364075.2); short protein forms C828S, C651S.
Identifiers: ClinVar variation 3151688 (VCV003151688.4), dbSNP rs2531355572, ClinGen allele CA360382798.

ClinVar aggregate classification (germline): Uncertain significance. Review status: criteria provided, multiple submitters, no conflicts (2 of 4 stars). 3 submissions from 3 submitters: Uncertain significance (3). Last evaluated 2024-10-21.

Conditions:
Cardiovascular phenotype. Identifiers: MedGen CN230736.
Capillary malformation-arteriovenous malformation syndrome. Also called: Capillary malformation-arteriovenous malformation. Identifiers: Orphanet 137667, MedGen C1842180, MONDO:0012016.

gnomAD v4.1: 1 of 1,607,230 alleles (0.000062%); highest among the groups gnomAD compares: Middle Eastern, 0.017%; no homozygotes.

Submissions (3):

Labcorp Genetics (formerly Invitae), Labcorp
Classification: Uncertain significance for Capillary malformation-arteriovenous malformation syndrome. Last evaluated: 2024-10-21. Review status: criteria provided, single submitter. Criteria: Invitae Variant Classification Sherloc (09022015). Collection method: clinical testing. Allele origin: germline.
Comment: This sequence change replaces cysteine, which is neutral and slightly polar, with serine, which is neutral and polar, at codon 828 of the RASA1 protein (p.Cys828Ser). This variant is not present in population databases (gnomAD no frequency). This variant has not been reported in the literature in individuals affected with RASA1-related conditions. An algorithm developed to predict the effect of missense changes on protein structure and function (PolyPhen-2) suggests that this variant is likely to be disruptive. In summary, the available evidence is currently insufficient to determine the role of this variant in disease. Therefore, it has been classified as a Variant of Uncertain Significance.

Blueprint Genetics
Classification: Uncertain significance. Last evaluated: 2024-06-27. Review status: criteria provided, single submitter. Criteria: ACMG Guidelines, 2015. Collection method: clinical testing. Allele origin: germline.

Ambry Genetics
Classification: Uncertain significance for Cardiovascular phenotype. Last evaluated: 2024-02-05. Review status: criteria provided, single submitter. Criteria: Ambry Variant Classification Scheme 2023. Collection method: clinical testing. Allele origin: germline.